The following is an entry in ClinVar:

NM_004655.4(AXIN2):c.1741C>A (p.Arg581Ser)

Gene: AXIN2 (axin 2; minus strand). Cytogenetic location: 17q24.1.
Variant type: single nucleotide variant.
Coding change: c.1741C>A on transcript NM_004655.4 (MANE Select); coding-DNA position 1741, C replaced by A.
Protein change: p.Arg581Ser; replaces arginine 581 with serine.
Molecular consequence: missense variant. On other transcripts: intron variant (1).
Genome position (GRCh38, 1-based): chr17:65,537,035, G>T on the plus strand (C>A on the coding strand, the complement: AXIN2 is on the minus strand). VCF-style: chr17-65537035-G-T. GRCh37 (hg19) VCF-style: chr17-63533153-G-T.
Other names: c.1712+289C>A (NM_001363813.1); short protein forms R581S.
Identifiers: ClinVar variation 939295 (VCV000939295.12), dbSNP rs759825875, ClinGen allele CA400676709.

ClinVar aggregate classification (germline): Uncertain significance. Review status: criteria provided, multiple submitters, no conflicts (2 of 4 stars). 2 submissions from 2 submitters: Uncertain significance (2). Last evaluated 2025-02-02.

Conditions:
Oligodontia-cancer predisposition syndrome. Also called: TOOTH AGENESIS-COLORECTAL CANCER SYNDROME. Identifiers: Orphanet 300576, MedGen C1837750, MONDO:0012075, OMIM 608615. Disease mechanism: loss of function.
Hereditary cancer-predisposing syndrome. Also called: Hereditary neoplastic syndrome; Neoplastic Syndromes, Hereditary; Tumor predisposition; Hereditary Cancer Syndrome. Identifiers: Orphanet 140162, MedGen C0027672, MeSH D009386, MONDO:0015356.

Submissions (2):

Labcorp Genetics (formerly Invitae), Labcorp
Classification: Uncertain significance for Oligodontia-cancer predisposition syndrome. Last evaluated: 2025-02-02. Review status: criteria provided, single submitter. Criteria: Invitae Variant Classification Sherloc (09022015). Collection method: clinical testing. Allele origin: germline.
Comment: This sequence change replaces arginine, which is basic and polar, with serine, which is neutral and polar, at codon 581 of the AXIN2 protein (p.Arg581Ser). This variant is not present in population databases (gnomAD no frequency). This variant has not been reported in the literature in individuals affected with AXIN2-related conditions. ClinVar contains an entry for this variant (Variation ID: 939295). Invitae Evidence Modeling of protein sequence and biophysical properties (such as structural, functional, and spatial information, amino acid conservation, physicochemical variation, residue mobility, and thermodynamic stability) indicates that this missense variant is not expected to disrupt AXIN2 protein function with a negative predictive value of 80%. In summary, the available evidence is currently insufficient to determine the role of this variant in disease. Therefore, it has been classified as a Variant of Uncertain Significance.

Ambry Genetics
Classification: Uncertain significance for Hereditary cancer-predisposing syndrome. Last evaluated: 2022-02-28. Review status: criteria provided, single submitter. Criteria: Ambry Variant Classification Scheme 2023. Collection method: clinical testing. Allele origin: germline.
Comment: The p.R581S variant (also known as c.1741C>A), located in coding exon 6 of the AXIN2 gene, results from a C to A substitution at nucleotide position 1741. The arginine at codon 581 is replaced by serine, an amino acid with dissimilar properties. This amino acid position is conserved. In addition, the in silico prediction for this alteration is inconclusive. Since supporting evidence is limited at this time, the clinical significance of this alteration remains unclear.